The following is an entry in ClinVar:

ClinVar aggregate classification (germline): Benign/Likely benign. Review status: criteria provided, multiple submitters, no conflicts (2 of 4 stars). 3 submissions from 3 submitters: Benign (1); Likely benign (2). Last evaluated 2025-05-04.

Conditions:
Hereditary cancer-predisposing syndrome. Also called: Tumor predisposition; Neoplastic Syndromes, Hereditary; Hereditary Cancer Syndrome; Hereditary neoplastic syndrome. Identifiers: Orphanet 140162, MedGen C0027672, MeSH D009386, MONDO:0015356.
Hereditary diffuse gastric adenocarcinoma (HDGC). Also called: DIFFUSE GASTRIC AND LOBULAR BREAST CANCER SYNDROME. Identifiers: Orphanet 26106, MedGen C1708349, MONDO:0007648, OMIM 137215.

Allele frequency attached by ClinVar (database versions not stated): gnomAD exomes below 0.00001; TOPMed below 0.00001; ExAC 0.00001.
gnomAD v4.1: 1 of 1,614,172 alleles (0.000062%); highest among the groups gnomAD compares: African/African-American, 0.0013%; no homozygotes.

Submissions (3):

Labcorp Genetics (formerly Invitae), Labcorp
Classification: Likely benign for Hereditary diffuse gastric adenocarcinoma. Last evaluated: 2025-05-04. Review status: criteria provided, single submitter. Criteria: Invitae Variant Classification Sherloc (09022015). Collection method: clinical testing. Allele origin: germline.

Myriad Genetics, Inc.
Classification: Benign for Hereditary diffuse gastric adenocarcinoma. Last evaluated: 2024-09-18. Review status: criteria provided, single submitter. Criteria: Myriad Autosomal Dominant, Autosomal Recessive and X-Linked Classification Criteria (2023). Collection method: clinical testing. Allele origin: unknown.
Comment: This variant is considered benign. This variant is a silent/synonymous amino acid change and it is not expected to impact splicing.

Ambry Genetics
Classification: Likely benign for Hereditary cancer-predisposing syndrome. Last evaluated: 2016-10-17. Review status: criteria provided, single submitter. Criteria: Ambry Variant Classification Scheme 2023. Collection method: clinical testing. Allele origin: germline.

NM_004360.5(CDH1):c.1302C>T (p.Gly434=)

Gene: CDH1 (cadherin 1; plus strand). Cytogenetic location: 16q22.1.
Variant type: single nucleotide variant.
Coding change: c.1302C>T on transcript NM_004360.5 (MANE Select); coding-DNA position 1302, C replaced by T.
Protein change: p.Gly434=; no amino-acid change (glycine 434 retained).
Molecular consequence: synonymous variant. On other transcripts: 5 prime UTR variant (2), intron variant (1).
Genome position (GRCh38, 1-based): chr16:68,813,477, C>T. VCF-style: chr16-68813477-C-T. GRCh37 (hg19) VCF-style: chr16-68847380-C-T.
Other names: c.1302C>T (LRG_301t1); c.-314C>T (NM_001317185.2); c.-518C>T (NM_001317186.2); c.1137+1214C>T (NM_001317184.2).
Identifiers: ClinVar variation 406648 (VCV000406648.14), dbSNP rs754580159, ClinGen allele CA8130031.